The following is an entry in ClinVar:

NM_213594.3(RFX4):c.364C>T (p.Arg122Ter)

Genes: RFX4 (regulatory factor X4; plus strand), LOC100287944 (uncharacterized LOC100287944; minus strand), LOC100505978 (uncharacterized LOC100505978; minus strand). Cytogenetic location: 12q23.3.
Variant type: single nucleotide variant.
Coding change: c.364C>T on transcript NM_213594.3 (MANE Select); coding-DNA position 364, C replaced by T.
Protein change: p.Arg122Ter; replaces arginine 122 with a stop codon.
Molecular consequence: nonsense. On other transcripts: non-coding transcript variant (1).
Genome position (GRCh38, 1-based): chr12:106,682,041, C>T. VCF-style: chr12-106682041-C-T. GRCh37 (hg19) VCF-style: chr12-107075819-C-T.
Other names: c.391C>T, p.Arg131Ter (NM_001206691.2); short protein forms R122*, R131*.
Identifiers: ClinVar variation 1311531 (VCV001311531.5), dbSNP rs2137399687, ClinGen allele CA386391545.

ClinVar aggregate classification (germline): Uncertain significance (1 of 4 stars; one submission).

Submission:

GeneDx
Classification: Uncertain significance. Last evaluated: 2024-11-21. Review status: criteria provided, single submitter. Criteria: GeneDx Variant Classification Process June 2021. Collection method: clinical testing. Allele origin: germline. Affected: yes.
Comment: Nonsense variant predicted to result in protein truncation or nonsense mediated decay in a gene or region of a gene for which loss of function is not a well-established mechanism of disease; Not observed at significant frequency in large population cohorts (gnomAD); Has not been previously published as pathogenic or benign to our knowledge; Variants in candidate genes are classified as variants of uncertain significance in accordance with ACMG guidelines (PMID: 25741868)